The following is an entry in ClinVar:

NM_018026.4(PACS1):c.1442C>T (p.Thr481Ile)

Gene: PACS1 (phosphofurin acidic cluster sorting protein 1; plus strand). Cytogenetic location: 11q13.2.
Variant type: single nucleotide variant.
Coding change: c.1442C>T on transcript NM_018026.4 (MANE Select); coding-DNA position 1442, C replaced by T.
Protein change: p.Thr481Ile; replaces threonine 481 with isoleucine.
Molecular consequence: missense variant.
Genome position (GRCh38, 1-based): chr11:66,230,615, C>T. VCF-style: chr11-66230615-C-T. GRCh37 (hg19) VCF-style: chr11-65998086-C-T.
Other names: short protein forms T481I.
Identifiers: ClinVar variation 1335074 (VCV001335074.38), dbSNP rs781666830, ClinGen allele CA6116571.

ClinVar aggregate classification (germline): Conflicting classifications of pathogenicity. Review status: criteria provided, conflicting classifications (1 of 4 stars). 2 submissions from 2 submitters: Uncertain significance (1); Likely benign (1). Last evaluated 2025-03-23.

Conditions:
Schuurs-Hoeijmakers syndrome. Also called: PACS1-Related Neurodevelopmental Disorder. Identifiers: Orphanet 329224, MedGen C3554343, MONDO:0014006, OMIM 615009.

Allele frequency attached by ClinVar (database versions not stated): gnomAD exomes 0.00001; ExAC 0.00002; TOPMed 0.00002; gnomAD 0.00003.
gnomAD v4.1: 38 of 1,614,058 alleles (0.0024%); highest among the groups gnomAD compares: Non-Finnish European, 0.0025%; no homozygotes.

Submissions (2):

Labcorp Genetics (formerly Invitae), Labcorp
Classification: Uncertain significance for Schuurs-Hoeijmakers syndrome. Last evaluated: 2025-03-23. Review status: criteria provided, single submitter. Criteria: Invitae Variant Classification Sherloc (09022015). Collection method: clinical testing. Allele origin: germline.
Comment: This sequence change replaces threonine, which is neutral and polar, with isoleucine, which is neutral and non-polar, at codon 481 of the PACS1 protein (p.Thr481Ile). This variant is present in population databases (rs781666830, gnomAD 0.003%). This variant has not been reported in the literature in individuals affected with PACS1-related conditions. ClinVar contains an entry for this variant (Variation ID: 1335074). Invitae Evidence Modeling of protein sequence and biophysical properties (such as structural, functional, and spatial information, amino acid conservation, physicochemical variation, residue mobility, and thermodynamic stability) indicates that this missense variant is not expected to disrupt PACS1 protein function with a negative predictive value of 80%. In summary, the available evidence is currently insufficient to determine the role of this variant in disease. Therefore, it has been classified as a Variant of Uncertain Significance.

CeGaT Center for Human Genetics Tuebingen
Classification: Likely benign. Last evaluated: 2021-12-01. Review status: criteria provided, single submitter. Criteria: CeGaT Center For Human Genetics Tuebingen Variant Classification Criteria Version 2. Collection method: clinical testing. Allele origin: germline. Affected: yes. Observed: 1 variant allele.